The following is an entry in ClinVar:

NM_001382391.1(CSPP1):c.3221-1G>A

Genes: ARFGEF1 (ARF guanine nucleotide exchange factor 1; minus strand), CSPP1 (centrosome and spindle pole associated protein 1; plus strand). Cytogenetic location: 8q13.2.
Variant type: single nucleotide variant.
Coding change: c.3221-1G>A on transcript NM_001382391.1 (MANE Select); the canonical splice acceptor site of the intron before coding-DNA position 3221, G replaced by A.
Molecular consequence: splice acceptor variant. On other transcripts: intron variant (2).
Genome position (GRCh38, 1-based): chr8:67,190,649, G>A. VCF-style: chr8-67190649-G-A. GRCh37 (hg19) VCF-style: chr8-68102884-G-A.
Other names: c.3026-1G>A (NM_001363132.2); c.3140-1G>A (NM_001363131.2); c.2945-1G>A (NM_001363133.2); c.3287-1G>A (NM_001364869.1); c.3206-1G>A (NM_024790.7, NM_001438331.1); c.3053-1G>A (NM_001438330.1); c.3107-1G>A (NM_001364870.1); c.2522-1G>A (NM_001438332.1); and 3 more.
Identifiers: ClinVar variation 2035454 (VCV002035454.4), dbSNP rs377059283, ClinGen allele CA4771109.

ClinVar aggregate classification (germline): Likely pathogenic (1 of 4 stars; one submission).

Conditions:
Joubert syndrome 21 (JBTS21). Identifiers: MedGen C3810212, MONDO:0014288, OMIM 615636.

Allele frequency attached by ClinVar (database versions not stated): gnomAD exomes below 0.00001; ExAC 0.00001; gnomAD 0.00001; TOPMed 0.00003; ESP Exome Variant Server 0.00008.
gnomAD v4.1: 3 of 1,613,072 alleles (0.00019%); highest among the groups gnomAD compares: African/African-American, 0.0013%; no homozygotes.

Submission:

Labcorp Genetics (formerly Invitae), Labcorp
Classification: Likely pathogenic for Joubert syndrome 21. Last evaluated: 2025-06-12. Review status: criteria provided, single submitter. Criteria: Invitae Variant Classification Sherloc (09022015). Collection method: clinical testing. Allele origin: germline.
Comment: This sequence change affects an acceptor splice site in intron 26 of the CSPP1 gene. It is expected to disrupt RNA splicing. Variants that disrupt the donor or acceptor splice site typically lead to a loss of protein function (PMID: 16199547), and loss-of-function variants in CSPP1 are known to be pathogenic (PMID: 24360807, 24360808). This variant is present in population databases (rs377059283, gnomAD 0.007%). This variant has not been reported in the literature in individuals affected with CSPP1-related conditions. ClinVar contains an entry for this variant (Variation ID: 2035454). Algorithms developed to predict the effect of sequence changes on RNA splicing suggest that this variant may disrupt the consensus splice site. In summary, the currently available evidence indicates that the variant is pathogenic, but additional data are needed to prove that conclusively. Therefore, this variant has been classified as Likely Pathogenic.

Literature cited by the submitters: PubMed 16199547; PubMed 24360807; PubMed 24360808.